The following is an entry in ClinVar:

NM_000158.4(GBE1):c.259T>C (p.Tyr87His)

Gene: GBE1 (1,4-alpha-glucan branching enzyme 1; minus strand). Cytogenetic location: 3p12.2.
Variant type: single nucleotide variant.
Coding change: c.259T>C on transcript NM_000158.4 (MANE Select); coding-DNA position 259, T replaced by C.
Protein change: p.Tyr87His; replaces tyrosine 87 with histidine.
Molecular consequence: missense variant.
Genome position (GRCh38, 1-based): chr3:81,705,498, A>G on the plus strand (T>C on the coding strand, the complement: GBE1 is on the minus strand). VCF-style: chr3-81705498-A-G. GRCh37 (hg19) VCF-style: chr3-81754649-A-G.
Other names: short protein forms Y87H.
Identifiers: ClinVar variation 1007801 (VCV001007801.3), dbSNP rs1705760813, ClinGen allele CA353687718.

ClinVar aggregate classification (germline): Uncertain significance (1 of 4 stars; one submission).

Conditions:
Glycogen storage disease IV, classic hepatic. Also called: GSD IV, CLASSIC HEPATIC. Identifiers: MedGen C1856301.
Glycogen storage disease, type IV (GSD4). Also called: Glycogen storage disease due to glycogen branching enzyme deficiency; AMYLOPECTINOSIS; ANDERSEN DISEASE; BRANCHER DEFICIENCY; CIRRHOSIS, FAMILIAL, WITH DEPOSITION OF ABNORMAL GLYCOGEN; GBE1 DEFICIENCY. Identifiers: Orphanet 367, MedGen C0017923, MONDO:0009292, OMIM 232500.

Submission:

Labcorp Genetics (formerly Invitae), Labcorp
Classification: Uncertain significance for Glycogen storage disease, type IV; Glycogen storage disease IV, classic hepatic. Last evaluated: 2020-10-28. Review status: criteria provided, single submitter. Criteria: Invitae Variant Classification Sherloc (09022015). Collection method: clinical testing. Allele origin: germline.
Comment: In summary, the available evidence is currently insufficient to determine the role of this variant in disease. Therefore, it has been classified as a Variant of Uncertain Significance. Algorithms developed to predict the effect of missense changes on protein structure and function (SIFT, PolyPhen-2, Align-GVGD) all suggest that this variant is likely to be tolerated, but these predictions have not been confirmed by published functional studies and their clinical significance is uncertain. This variant has not been reported in the literature in individuals with GBE1-related conditions. This variant is not present in population databases (ExAC no frequency). This sequence change replaces tyrosine with histidine at codon 87 of the GBE1 protein (p.Tyr87His). The tyrosine residue is weakly conserved and there is a moderate physicochemical difference between tyrosine and histidine.